The following is an entry in ClinVar:

ClinVar aggregate classification (germline): Uncertain significance (1 of 4 stars; one submission).

Allele frequency attached by ClinVar (database versions not stated): gnomAD exomes 0.00001.
gnomAD v4.1: 3 of 1,613,942 alleles (0.00019%); highest among the groups gnomAD compares: Non-Finnish European, 0.00025%; no homozygotes.

Submission:

Ambry Genetics
Classification: Uncertain significance. Last evaluated: 2022-05-30. Review status: criteria provided, single submitter. Criteria: Ambry Variant Classification Scheme 2023. Collection method: clinical testing. Allele origin: germline.
Comment: The p.M536V variant (also known as c.1606A>G), located in coding exon 9 of the PKP4 gene, results from an A to G substitution at nucleotide position 1606. The methionine at codon 536 is replaced by valine, an amino acid with highly similar properties. This amino acid position is conserved. In addition, this alteration is predicted to be tolerated by in silico analysis. Since supporting evidence is limited at this time, the clinical significance of this alteration remains unclear.

NM_003628.6(PKP4):c.1606A>G (p.Met536Val)

Gene: PKP4 (plakophilin 4; plus strand). Cytogenetic location: 2q24.1.
Variant type: single nucleotide variant.
Coding change: c.1606A>G on transcript NM_003628.6 (MANE Select); coding-DNA position 1606, A replaced by G.
Protein change: p.Met536Val; replaces methionine 536 with valine.
Molecular consequence: missense variant.
Genome position (GRCh38, 1-based): chr2:158,640,670, A>G. VCF-style: chr2-158640670-A-G. GRCh37 (hg19) VCF-style: chr2-159497182-A-G.
Other names: c.1606A>G, p.Met536Val (NM_001005476.4, NM_001304971.2, NM_001377218.1 and 1 more transcripts); c.1603A>G, p.Met535Val (NM_001304969.3, NM_001377219.1, NM_001377220.1 and 2 more transcripts); c.577A>G, p.Met193Val (NM_001304970.3); c.1600A>G, p.Met534Val (NM_001377222.1, NM_001377223.1); c.1597A>G, p.Met533Val (NM_001377224.1); short protein forms M534V, M193V, M536V, M533V, M535V.
Identifiers: ClinVar variation 1776280 (VCV001776280.2), dbSNP rs2529693378, ClinGen allele CA348911274.